The following is an entry in ClinVar:

ClinVar aggregate classification (germline): Uncertain significance. Review status: criteria provided, multiple submitters, no conflicts (2 of 4 stars). 3 submissions from 3 submitters: Uncertain significance (3). Last evaluated 2024-10-23.

Conditions:
Senior-Loken syndrome 5 (SLSN5). Identifiers: Orphanet 3156, MedGen C1836517, MONDO:0012225, OMIM 609254.
Nephronophthisis. Also called: Juvenile Nephronophthisis. Identifiers: Orphanet 655, MedGen C0687120, MONDO:0019005, HP:0000090.

Allele frequency attached by ClinVar (database versions not stated): TOPMed 0.00004.
gnomAD v4.1: 13 of 1,612,776 alleles (0.00081%); highest among the groups gnomAD compares: Admixed American, 0.0033%; no homozygotes.

Submissions (3):

Labcorp Genetics (formerly Invitae), Labcorp
Classification: Uncertain significance for Nephronophthisis. Last evaluated: 2024-10-23. Review status: criteria provided, single submitter. Criteria: Invitae Variant Classification Sherloc (09022015). Collection method: clinical testing. Allele origin: germline.
Comment: This sequence change replaces arginine, which is basic and polar, with glycine, which is neutral and non-polar, at codon 72 of the IQCB1 protein (p.Arg72Gly). This variant is present in population databases (no rsID available, gnomAD 0.003%). This variant has not been reported in the literature in individuals affected with IQCB1-related conditions. ClinVar contains an entry for this variant (Variation ID: 1039328). Invitae Evidence Modeling of protein sequence and biophysical properties (such as structural, functional, and spatial information, amino acid conservation, physicochemical variation, residue mobility, and thermodynamic stability) indicates that this missense variant is not expected to disrupt IQCB1 protein function with a negative predictive value of 80%. In summary, the available evidence is currently insufficient to determine the role of this variant in disease. Therefore, it has been classified as a Variant of Uncertain Significance.

Fulgent Genetics
Classification: Uncertain significance for Senior-Loken syndrome 5. Last evaluated: 2021-12-02. Review status: criteria provided, single submitter. Criteria: ACMG Guidelines, 2015. Collection method: clinical testing. Allele origin: unknown.

Blueprint Genetics
Classification: Uncertain significance. Last evaluated: 2019-08-14. Review status: criteria provided, single submitter. Criteria: ACMG Guidelines, 2015. Collection method: clinical testing. Allele origin: germline.

NM_001023570.4(IQCB1):c.214C>G (p.Arg72Gly)

Gene: IQCB1 (IQ motif containing B1; minus strand). Cytogenetic location: 3q13.33.
Variant type: single nucleotide variant.
Coding change: c.214C>G on transcript NM_001023570.4 (MANE Select); coding-DNA position 214, C replaced by G.
Protein change: p.Arg72Gly; replaces arginine 72 with glycine.
Molecular consequence: missense variant. On other transcripts: non-coding transcript variant (1).
Genome position (GRCh38, 1-based): chr3:121,828,519, G>C on the plus strand (C>G on the coding strand, the complement: IQCB1 is on the minus strand). VCF-style: chr3-121828519-G-C. GRCh37 (hg19) VCF-style: chr3-121547366-G-C.
Other names: c.214C>G, p.Arg72Gly (NM_001023571.4, NM_001319107.2); short protein forms R72G.
Identifiers: ClinVar variation 1039328 (VCV001039328.8), dbSNP rs201405662, ClinGen allele CA354113393.